The following is an entry in ClinVar:

ClinVar aggregate classification (germline): Likely benign. Review status: criteria provided, single submitter (1 of 4 stars). 2 submissions from 2 submitters: Likely benign (1). 1 of the submissions does not count toward it. Last evaluated 2025-01-05.

Conditions:
SLC25A12-related disorder. Also called: SLC25A12-related condition.

Allele frequency attached by ClinVar (database versions not stated): gnomAD exomes below 0.00001; ExAC 0.00001; TOPMed 0.00002; gnomAD 0.00001.
gnomAD v4.1: 5 of 1,613,962 alleles (0.00031%); highest among the groups gnomAD compares: African/African-American, 0.0027%; no homozygotes.

Submissions (2):

Labcorp Genetics (formerly Invitae), Labcorp
Classification: Likely benign. Last evaluated: 2025-01-05. Review status: criteria provided, single submitter. Criteria: Invitae Variant Classification Sherloc (09022015). Collection method: clinical testing. Allele origin: germline.

PreventionGenetics, part of Exact Sciences
Classification: Likely benign for SLC25A12-related condition. Last evaluated: 2019-02-26. Review status: no assertion criteria provided. Collection method: clinical testing. Allele origin: germline. Not counted in ClinVar's aggregate classification.
Comment: This variant is classified as likely benign based on ACMG/AMP sequence variant interpretation guidelines (Richards et al. 2015 PMID: 25741868, with internal and published modifications).

NM_003705.5(SLC25A12):c.1035T>C (p.Tyr345=)

Gene: SLC25A12 (solute carrier family 25 member 12; minus strand). Cytogenetic location: 2q31.1.
Variant type: single nucleotide variant.
Coding change: c.1035T>C on transcript NM_003705.5 (MANE Select); coding-DNA position 1035, T replaced by C.
Protein change: p.Tyr345=; no amino-acid change (tyrosine 345 retained).
Molecular consequence: synonymous variant. On other transcripts: non-coding transcript variant (1).
Genome position (GRCh38, 1-based): chr2:171,813,475, A>G on the plus strand (T>C on the coding strand, the complement: SLC25A12 is on the minus strand). VCF-style: chr2-171813475-A-G. GRCh37 (hg19) VCF-style: chr2-172669985-A-G.
Identifiers: ClinVar variation 698790 (VCV000698790.8), dbSNP rs748785851, ClinGen allele CA1966222.
Genomic context (GRCh38, chr2:171,813,475, plus strand): 5'-CCCAACAACAGAGCCAGAGCCACGCTGGTTTTGCATTCGGGTCTTCACCAGATCTATAGG[A>G]TACACTGCAGTGGCTCCCACAGCTACAAACAGAACAATTTTTAGGCTTAAAAAAGAACAC-3'
Protein context (NP_003696.2, residues 335-355): VAGAVGATAV[Tyr345=]PIDLVKTRMQ